The following is an entry in ClinVar:

ClinVar aggregate classification (germline): Uncertain significance (1 of 4 stars; one submission).

gnomAD v4.1: 2 of 1,614,062 alleles (0.00012%); highest among the groups gnomAD compares: Admixed American, 0.0033%; no homozygotes.

Submission:

Labcorp Genetics (formerly Invitae), Labcorp
Classification: Uncertain significance. Last evaluated: 2025-10-14. Review status: criteria provided, single submitter. Criteria: Invitae Variant Classification Sherloc (09022015). Collection method: clinical testing. Allele origin: germline.
Comment: This sequence change replaces threonine, which is neutral and polar, with isoleucine, which is neutral and non-polar, at codon 734 of the ALPK1 protein (p.Thr734Ile). This variant is not present in population databases (gnomAD no frequency). This variant has not been reported in the literature in individuals affected with ALPK1-related conditions. Invitae Evidence Modeling of protein sequence and biophysical properties (such as structural, functional, and spatial information, amino acid conservation, physicochemical variation, residue mobility, and thermodynamic stability) indicates that this missense variant is not expected to disrupt ALPK1 protein function with a negative predictive value of 80%. In summary, the available evidence is currently insufficient to determine the role of this variant in disease. Therefore, it has been classified as a Variant of Uncertain Significance.

NM_025144.4(ALPK1):c.2201C>T (p.Thr734Ile)

Gene: ALPK1 (alpha kinase 1; plus strand). Cytogenetic location: 4q25.
Variant type: single nucleotide variant.
Coding change: c.2201C>T on transcript NM_025144.4 (MANE Select); coding-DNA position 2201, C replaced by T.
Protein change: p.Thr734Ile; replaces threonine 734 with isoleucine.
Molecular consequence: missense variant.
Genome position (GRCh38, 1-based): chr4:112,431,748, C>T. VCF-style: chr4-112431748-C-T. GRCh37 (hg19) VCF-style: chr4-113352904-C-T.
Other names: c.2201C>T, p.Thr734Ile (NM_001102406.2); c.1967C>T, p.Thr656Ile (NM_001253884.2); short protein forms T656I, T734I.
Identifiers: ClinVar variation 4711453 (VCV004711453.1).
Genomic context (GRCh38, chr4:112,431,748, plus strand): 5'-GACCCTCATATCGTTCTGCTTCTTGGTCTTCTGATTCTGGTAGGCCCAAGAATATGGGCA[C>T]ACATCCTTCAGTCCAAAAAGAAGAAGCCTTTGAAATAATTGTTGAGTTTCCAGAAACCAA-3'
Protein context (NP_079420.3, residues 724-744): SDSGRPKNMG[Thr734Ile]HPSVQKEEAF